The following is an entry in ClinVar:

ClinVar aggregate classification (germline): Pathogenic (1 of 4 stars; one submission).

Conditions:
Congenital disorder of deglycosylation (CDDG). Identifiers: MedGen C3808991, MONDO:0031376.

Allele frequency attached by ClinVar (database versions not stated): gnomAD 0.00001; gnomAD exomes below 0.00001; ExAC 0.00001.
gnomAD v4.1: 3 of 1,614,058 alleles (0.00019%); highest among the groups gnomAD compares: Non-Finnish European, 0.00025%; no homozygotes.

Submission:

Labcorp Genetics (formerly Invitae), Labcorp
Classification: Pathogenic for Congenital disorder of deglycosylation. Last evaluated: 2026-01-19. Review status: criteria provided, single submitter. Criteria: Invitae Variant Classification Sherloc (09022015). Collection method: clinical testing. Allele origin: germline.
Comment: This sequence change creates a premature translational stop signal (p.Ser140*) in the NGLY1 gene. It is expected to result in an absent or disrupted protein product. Loss-of-function variants in NGLY1 are known to be pathogenic (PMID: 24651605). This variant is not present in population databases (gnomAD no frequency). This variant has not been reported in the literature in individuals affected with NGLY1-related conditions. ClinVar contains an entry for this variant (Variation ID: 2776106). For these reasons, this variant has been classified as Pathogenic.

Literature cited by the submitters: PubMed 24651605.

NM_018297.4(NGLY1):c.419C>G (p.Ser140Ter)

Gene: NGLY1 (N-glycanase 1; minus strand). Cytogenetic location: 3p24.2.
Variant type: single nucleotide variant.
Coding change: c.419C>G on transcript NM_018297.4 (MANE Select); coding-DNA position 419, C replaced by G.
Protein change: p.Ser140Ter; replaces serine 140 with a stop codon.
Molecular consequence: nonsense.
Genome position (GRCh38, 1-based): chr3:25,764,139, G>C on the plus strand (C>G on the coding strand, the complement: NGLY1 is on the minus strand). VCF-style: chr3-25764139-G-C. GRCh37 (hg19) VCF-style: chr3-25805630-G-C.
Other names: c.419C>G, p.Ser140Ter (NM_001145293.2, NM_001145295.2); c.293C>G, p.Ser98Ter (NM_001145294.2); short protein forms S140*, S98*.
Identifiers: ClinVar variation 2776106 (VCV002776106.3), dbSNP rs754379411, ClinGen allele CA2289495.